The following is an entry in ClinVar:

NM_005188.4(CBL):c.578C>T (p.Ala193Val)

Gene: CBL (Cbl proto-oncogene; plus strand). Cytogenetic location: 11q23.3.
Variant type: single nucleotide variant.
Coding change: c.578C>T on transcript NM_005188.4 (MANE Select); coding-DNA position 578, C replaced by T.
Protein change: p.Ala193Val; replaces alanine 193 with valine.
Molecular consequence: missense variant.
Genome position (GRCh38, 1-based): chr11:119,271,869, C>T. VCF-style: chr11-119271869-C-T. GRCh37 (hg19) VCF-style: chr11-119142579-C-T.
Other names: short protein forms A193V.
Identifiers: ClinVar variation 964002 (VCV000964002.9), dbSNP rs749633193, ClinGen allele CA6318290.

ClinVar aggregate classification (germline): Uncertain significance (1 of 4 stars; one submission).

Conditions:
RASopathy. Also called: rasopathies; Noonan spectrum disorder. Identifiers: Orphanet 536391, MedGen C5555857, MONDO:0021060.

Allele frequency attached by ClinVar (database versions not stated): ExAC 0.00001; gnomAD exomes 0.00001.
gnomAD v4.1: 16 of 1,613,864 alleles (0.00099%); highest among the groups gnomAD compares: South Asian, 0.018%; no homozygotes.

Submission:

Labcorp Genetics (formerly Invitae), Labcorp
Classification: Uncertain significance for RASopathy. Last evaluated: 2025-06-22. Review status: criteria provided, single submitter. Criteria: Invitae Variant Classification Sherloc (09022015). Collection method: clinical testing. Allele origin: germline.
Comment: This sequence change replaces alanine, which is neutral and non-polar, with valine, which is neutral and non-polar, at codon 193 of the CBL protein (p.Ala193Val). This variant is present in population databases (rs749633193, gnomAD 0.01%). This variant has not been reported in the literature in individuals affected with CBL-related conditions. ClinVar contains an entry for this variant (Variation ID: 964002). Invitae Evidence Modeling of protein sequence and biophysical properties (such as structural, functional, and spatial information, amino acid conservation, physicochemical variation, residue mobility, and thermodynamic stability) indicates that this missense variant is not expected to disrupt CBL protein function with a negative predictive value of 95%. In summary, the available evidence is currently insufficient to determine the role of this variant in disease. Therefore, it has been classified as a Variant of Uncertain Significance.